The following is an entry in ClinVar:

NM_001377.3(DYNC2H1):c.2686G>T (p.Val896Leu)

Gene: DYNC2H1 (dynein cytoplasmic 2 heavy chain 1; plus strand). Cytogenetic location: 11q22.3.
Variant type: single nucleotide variant.
Coding change: c.2686G>T on transcript NM_001377.3 (MANE Select); coding-DNA position 2686, G replaced by T.
Protein change: p.Val896Leu; replaces valine 896 with leucine.
Molecular consequence: missense variant.
Genome position (GRCh38, 1-based): chr11:103,143,379, G>T. VCF-style: chr11-103143379-G-T. GRCh37 (hg19) VCF-style: chr11-103014108-G-T.
Other names: c.2686G>T, p.Val896Leu (NM_001080463.2); short protein forms V896L.
Identifiers: ClinVar variation 2066615 (VCV002066615.4), dbSNP rs764028036, ClinGen allele CA6253108.

ClinVar aggregate classification (germline): Uncertain significance. Review status: criteria provided, multiple submitters, no conflicts (2 of 4 stars). 2 submissions from 2 submitters: Uncertain significance (2). Last evaluated 2024-01-02.

Conditions:
Jeune thoracic dystrophy. Also called: Jeune syndrome; Infantile thoracic dystrophy; Thoracic pelvic phalangeal dystrophy; Jeune's syndrome; Chondroectodermal dysplasia-like syndrome; Short-rib thoracic dysplasia. Identifiers: Orphanet 474, MedGen C0265275, MONDO:0018770.

gnomAD v4.1: 19 of 1,610,358 alleles (0.0012%); highest among the groups gnomAD compares: East Asian, 0.016%; no homozygotes.

Submissions (2):

Labcorp Genetics (formerly Invitae), Labcorp
Classification: Uncertain significance for Jeune thoracic dystrophy. Last evaluated: 2024-01-02. Review status: criteria provided, single submitter. Criteria: Invitae Variant Classification Sherloc (09022015). Collection method: clinical testing. Allele origin: germline.
Comment: This sequence change replaces valine, which is neutral and non-polar, with leucine, which is neutral and non-polar, at codon 896 of the DYNC2H1 protein (p.Val896Leu). This variant is present in population databases (rs764028036, gnomAD 0.02%). This variant has not been reported in the literature in individuals affected with DYNC2H1-related conditions. ClinVar contains an entry for this variant (Variation ID: 2066615). Advanced modeling of protein sequence and biophysical properties (such as structural, functional, and spatial information, amino acid conservation, physicochemical variation, residue mobility, and thermodynamic stability) performed at Invitae indicates that this missense variant is not expected to disrupt DYNC2H1 protein function with a negative predictive value of 95%. In summary, the available evidence is currently insufficient to determine the role of this variant in disease. Therefore, it has been classified as a Variant of Uncertain Significance.

Blueprint Genetics
Classification: Uncertain significance. Last evaluated: 2023-11-16. Review status: criteria provided, single submitter. Criteria: ACMG Guidelines, 2015. Collection method: clinical testing. Allele origin: germline.